The following is an entry in ClinVar:

NM_152618.3(BBS12):c.1787A>G (p.Gln596Arg)

Gene: BBS12 (Bardet-Biedl syndrome 12; plus strand). Cytogenetic location: 4q27.
Variant type: single nucleotide variant.
Coding change: c.1787A>G on transcript NM_152618.3 (MANE Select); coding-DNA position 1787, A replaced by G.
Protein change: p.Gln596Arg; replaces glutamine 596 with arginine.
Molecular consequence: missense variant.
Genome position (GRCh38, 1-based): chr4:122,743,679, A>G. VCF-style: chr4-122743679-A-G. GRCh37 (hg19) VCF-style: chr4-123664834-A-G.
Other names: c.1787A>G, p.Gln596Arg (NM_001178007.2); short protein forms Q596R.
Identifiers: ClinVar variation 3355240 (VCV003355240.3).

ClinVar aggregate classification (germline): Uncertain significance. Review status: criteria provided, multiple submitters, no conflicts (2 of 4 stars). 2 submissions from 2 submitters: Uncertain significance (2). Last evaluated 2026-02-10.

Conditions:
Bardet-Biedl syndrome 12 (BBS12). Identifiers: Orphanet 110, MedGen C1859570, MONDO:0014440, OMIM 615989.
BBS12-related disorder. Also called: BBS12-related condition.

gnomAD v4.1: 1 of 1,614,214 alleles (0.000062%); highest among the groups gnomAD compares: South Asian, 0.0011%; no homozygotes.

Submissions (2):

PreventionGenetics, part of Exact Sciences
Classification: Uncertain significance for BBS12-related condition. Last evaluated: 2026-02-10. Review status: criteria provided, single submitter. Criteria: ACMG Guidelines, 2015. Collection method: clinical testing. Allele origin: germline.
Comment: The BBS12 c.1787A>G variant is predicted to result in the amino acid substitution p.Gln596Arg. To our knowledge, this variant has not been reported in the literature or in a large population database (gnomAD), indicating this variant is rare. At this time, the clinical significance of this variant is uncertain due to the absence of conclusive functional and genetic evidence.

Fulgent Genetics
Classification: Uncertain significance for Bardet-Biedl syndrome 12. Last evaluated: 2024-02-20. Review status: criteria provided, single submitter. Criteria: ACMG Guidelines, 2015. Collection method: clinical testing. Allele origin: germline.